The following is an entry in ClinVar:

ClinVar aggregate classification (germline): Likely benign (1 of 4 stars; one submission).

Conditions:
Catecholaminergic polymorphic ventricular tachycardia (CVPT). Also called: Catecholamine-induced polymorphic ventricular tachycardia. Identifiers: Orphanet 3286, MedGen C5574922, MONDO:0017990.

Submission:

All of Us Research Program, National Institutes of Health
Classification: Likely benign for Catecholaminergic polymorphic ventricular tachycardia. Last evaluated: 2023-11-20. Review status: criteria provided, single submitter. Criteria: ACMG Guidelines, 2015. Collection method: clinical testing. Allele origin: germline. Inheritance: Autosomal dominant inheritance. Observed: 1 variant allele, 1 heterozygote.
Comment: This study involves interpretation of variants in research participants for the purpose of population health screening. Participant phenotype was not available at the time of variant classification. Additional details can be found in publication PMID: 35346344, PMCID: PMC8962531

NM_001035.3(RYR2):c.792T>A (p.Gly264=)

Gene: RYR2 (ryanodine receptor 2; plus strand). Cytogenetic location: 1q43.
Variant type: single nucleotide variant.
Coding change: c.792T>A on transcript NM_001035.3 (MANE Select); coding-DNA position 792, T replaced by A.
Protein change: p.Gly264=; no amino-acid change (glycine 264 retained).
Molecular consequence: synonymous variant.
Genome position (GRCh38, 1-based): chr1:237,417,067, T>A. VCF-style: chr1-237417067-T-A. GRCh37 (hg19) VCF-style: chr1-237580367-T-A.
Identifiers: ClinVar variation 3074690 (VCV003074690.1), dbSNP rs2528015603, ClinGen allele CA423810353.
Genomic context (GRCh38, chr1:237,417,067, plus strand): 5'-TGTTTAACTCACATTTGGGCTTTTGTTTGTTTGTTGAAACAGAACTGTTCATTATGAAGG[T>A]GGCGCTGTGTCTGTTCATGCACGTTCCCTTTGGAGACTAGAGACGCTAAGAGTTGCGTAA-3'
Protein context (NP_001026.2, residues 254-274): EEQRRTVHYE[Gly264=]GAVSVHARSL